The following is an entry in ClinVar:

ClinVar aggregate classification (germline): Uncertain significance (1 of 4 stars; one submission).

Conditions:
Inborn genetic diseases. Identifiers: MedGen C0950123, MeSH D030342.

Submission:

Ambry Genetics
Classification: Uncertain significance for Inborn genetic diseases. Last evaluated: 2023-05-21. Review status: criteria provided, single submitter. Criteria: Ambry Variant Classification Scheme 2023. Collection method: clinical testing. Allele origin: germline.
Comment: The p.S359N variant (also known as c.1076G>A), located in coding exon 2 of the ATP7B gene, results from a G to A substitution at nucleotide position 1076. The serine at codon 359 is replaced by asparagine, an amino acid with highly similar properties. This amino acid position is conserved. In addition, this alteration is predicted to be tolerated by in silico analysis. Since supporting evidence is limited at this time, the clinical significance of this alteration remains unclear.

NM_000053.4(ATP7B):c.1076G>A (p.Ser359Asn)

Gene: ATP7B (ATPase copper transporting beta; minus strand). Cytogenetic location: 13q14.3.
Variant type: single nucleotide variant.
Coding change: c.1076G>A on transcript NM_000053.4 (MANE Select); coding-DNA position 1076, G replaced by A.
Protein change: p.Ser359Asn; replaces serine 359 with asparagine.
Molecular consequence: missense variant. On other transcripts: intron variant (2).
Genome position (GRCh38, 1-based): chr13:51,974,144, C>T on the plus strand (G>A on the coding strand, the complement: ATP7B is on the minus strand). VCF-style: chr13-51974144-C-T. GRCh37 (hg19) VCF-style: chr13-52548280-C-T.
Other names: c.1076G>A, p.Ser359Asn (NM_001005918.3, NM_001330578.2, NM_001330579.2 and 29 more transcripts); c.980G>A, p.Ser327Asn (NM_001406517.1, NM_001406518.1, NM_001406530.1 and 3 more transcripts); c.803-60G>A (NM_001243182.2); c.707-60G>A (NM_001406539.1); short protein forms S327N, S359N.
Identifiers: ClinVar variation 2567923 (VCV002567923.2), dbSNP rs2547815258, ClinGen allele CA388039161.